The following is an entry in ClinVar:

ClinVar aggregate classification (germline): Uncertain significance (1 of 4 stars; one submission).

Conditions:
Familial cold autoinflammatory syndrome 2 (FCAS2). Identifiers: Orphanet 247868, MedGen C2673198, MONDO:0012724, OMIM 611762.

Allele frequency attached by ClinVar (database versions not stated): gnomAD exomes below 0.00001 and 0.00001; TOPMed below 0.00001; ExAC 0.00001.
gnomAD v4.1: 1 of 1,612,828 alleles (0.000062%); highest among the groups gnomAD compares: Admixed American, 0.0017%; no homozygotes.

Submission:

Labcorp Genetics (formerly Invitae), Labcorp
Classification: Uncertain significance for Familial cold autoinflammatory syndrome 2. Last evaluated: 2017-10-02. Review status: criteria provided, single submitter. Criteria: Invitae Variant Classification Sherloc (09022015). Collection method: clinical testing. Allele origin: germline.
Comment: This sequence change replaces proline with serine at codon 207 of the NLRP12 protein (p.Pro207Ser). The proline residue is highly conserved and there is a moderate physicochemical difference between proline and serine. This variant is present in population databases (rs750186083, ExAC 0.002%). This variant has not been reported in the literature in individuals with NLRP12-related disease. Algorithms developed to predict the effect of missense changes on protein structure and function (SIFT, PolyPhen-2, Align-GVGD) all suggest that this variant is likely to be disruptive, but these predictions have not been confirmed by published functional studies and their clinical significance is uncertain. In summary, the available evidence is currently insufficient to determine the role of this variant in disease. Therefore, it has been classified as a Variant of Uncertain Significance.

NM_144687.4(NLRP12):c.619C>T (p.Pro207Ser)

Gene: NLRP12 (NLR family pyrin domain containing 12; minus strand). Cytogenetic location: 19q13.42.
Variant type: single nucleotide variant.
Coding change: c.619C>T on transcript NM_144687.4 (MANE Select); coding-DNA position 619, C replaced by T.
Protein change: p.Pro207Ser; replaces proline 207 with serine.
Molecular consequence: missense variant.
Genome position (GRCh38, 1-based): chr19:53,811,040, G>A on the plus strand (C>T on the coding strand, the complement: NLRP12 is on the minus strand). VCF-style: chr19-53811040-G-A. GRCh37 (hg19) VCF-style: chr19-54314294-G-A.
Other names: c.619C>T, p.Pro207Ser (NM_001277126.2, NM_001277129.1); short protein forms P207S.
Identifiers: ClinVar variation 536924 (VCV000536924.8), dbSNP rs750186083, ClinGen allele CA9639657.